The following is an entry in ClinVar:

NM_001271.4(CHD2):c.3346C>T (p.Arg1116Cys)

Gene: CHD2 (chromodomain helicase DNA binding protein 2; plus strand). Cytogenetic location: 15q26.1.
Variant type: single nucleotide variant.
Coding change: c.3346C>T on transcript NM_001271.4 (MANE Select); coding-DNA position 3346, C replaced by T.
Protein change: p.Arg1116Cys; replaces arginine 1116 with cysteine.
Molecular consequence: missense variant.
Genome position (GRCh38, 1-based): chr15:92,985,606, C>T. VCF-style: chr15-92985606-C-T. GRCh37 (hg19) VCF-style: chr15-93528836-C-T.
Other names: short protein forms R1116C.
Identifiers: ClinVar variation 847777 (VCV000847777.14), dbSNP rs200013427, ClinGen allele CA7748186.
Genomic context (GRCh38, chr15:92,985,606, plus strand): 5'-CAGAGATCCTCTGCTTCTGAGAGTGAAACGGAAGACTCTGATGATGACAAGAAGCCAAAG[C>T]GCAGAGGGCGTCCGAGGAGTGTGCGGAAGGACCTCGTGGAGGGATTTACTGATGCAGAGA-3'
Protein context (NP_001262.3, residues 1106-1126): EDSDDDKKPK[Arg1116Cys]RGRPRSVRKD

ClinVar aggregate classification (germline): Conflicting classifications of pathogenicity. Review status: criteria provided, conflicting classifications (1 of 4 stars). 3 submissions from 3 submitters: Uncertain significance (1); Likely benign (2). Last evaluated 2025-08-29.

Conditions:
Inborn genetic diseases. Identifiers: MedGen C0950123, MeSH D030342.
Developmental and epileptic encephalopathy 94 (DEE94). Also called: CHD2-Related Neurodevelopmental Disorders; Epileptic encephalopathy, childhood-onset. Identifiers: Orphanet 1942, Orphanet 2382, MedGen C3809278, MONDO:0014150, OMIM 615369.

Allele frequency attached by ClinVar (database versions not stated): ExAC 0.00001; gnomAD 0.00001; gnomAD exomes 0.00001; TOPMed 0.00002.
gnomAD v4.1: 15 of 1,613,844 alleles (0.00093%); highest among the groups gnomAD compares: African/African-American, 0.0013%; no homozygotes.

Submissions (3):

Labcorp Genetics (formerly Invitae), Labcorp
Classification: Uncertain significance for Developmental and epileptic encephalopathy 94. Last evaluated: 2025-08-29. Review status: criteria provided, single submitter. Criteria: Invitae Variant Classification Sherloc (09022015). Collection method: clinical testing. Allele origin: germline.
Comment: This sequence change replaces arginine, which is basic and polar, with cysteine, which is neutral and slightly polar, at codon 1116 of the CHD2 protein (p.Arg1116Cys). This variant is present in population databases (rs200013427, gnomAD 0.008%). This missense change has been observed in individual(s) with clinical features of CHD2-related conditions (PMID: 33004838). ClinVar contains an entry for this variant (Variation ID: 847777). Invitae Evidence Modeling of protein sequence and biophysical properties (such as structural, functional, and spatial information, amino acid conservation, physicochemical variation, residue mobility, and thermodynamic stability) indicates that this missense variant is not expected to disrupt CHD2 protein function with a negative predictive value of 95%. In summary, the available evidence is currently insufficient to determine the role of this variant in disease. Therefore, it has been classified as a Variant of Uncertain Significance.

Ambry Genetics
Classification: Likely benign for Inborn genetic diseases. Last evaluated: 2025-01-10. Review status: criteria provided, single submitter. Criteria: Ambry Variant Classification Scheme 2023. Collection method: clinical testing. Allele origin: germline.

GeneDx
Classification: Likely benign. Last evaluated: 2020-12-29. Review status: criteria provided, single submitter. Criteria: GeneDx Variant Classification Process June 2021. Collection method: clinical testing. Allele origin: germline. Affected: yes.
Comment: In silico analysis supports that this missense variant has a deleterious effect on protein structure/function; Has not been previously published as pathogenic or benign to our knowledge; This variant is associated with the following publications: (PMID: 28191889)

Literature cited by the submitters: PubMed 33004838 (cited by Labcorp Genetics (formerly Invitae), Labcorp).